The following is an entry in ClinVar:

NM_001130144.3(LTBP3):c.3878C>T (p.Pro1293Leu)

Gene: LTBP3 (latent transforming growth factor beta binding protein 3; minus strand). Cytogenetic location: 11q13.1.
Variant type: single nucleotide variant.
Coding change: c.3878C>T on transcript NM_001130144.3 (MANE Select); coding-DNA position 3878, C replaced by T.
Protein change: p.Pro1293Leu; replaces proline 1293 with leucine.
Molecular consequence: missense variant.
Genome position (GRCh38, 1-based): chr11:65,539,114, G>A on the plus strand (C>T on the coding strand, the complement: LTBP3 is on the minus strand). VCF-style: chr11-65539114-G-A. GRCh37 (hg19) VCF-style: chr11-65306585-G-A.
Other names: c.3386C>T, p.Pro1129Leu (NM_001164266.1); c.3737C>T, p.Pro1246Leu (NM_021070.4); short protein forms P1293L, P1246L, P1129L.
Identifiers: ClinVar variation 2978661 (VCV002978661.3), dbSNP rs1855921139, ClinGen allele CA381265811.

ClinVar aggregate classification (germline): Uncertain significance (1 of 4 stars; one submission).

Conditions:
Brachyolmia-amelogenesis imperfecta syndrome. Also called: PLATYSPONDYLY WITH AMELOGENESIS IMPERFECTA; Tooth agenesis, selective, 6; Dental anomalies and short stature. Identifiers: Orphanet 2899, MedGen C1832594, MONDO:0011018, OMIM 601216. Disease mechanism: loss of function.

Allele frequency attached by ClinVar (database versions not stated): TOPMed 0.00001.
gnomAD v4.1: 1 of 1,473,350 alleles (0.000068%); no homozygotes.

Submission:

Labcorp Genetics (formerly Invitae), Labcorp
Classification: Uncertain significance for Brachyolmia-amelogenesis imperfecta syndrome. Last evaluated: 2023-03-18. Review status: criteria provided, single submitter. Criteria: Invitae Variant Classification Sherloc (09022015). Collection method: clinical testing. Allele origin: germline.
Comment: In summary, the available evidence is currently insufficient to determine the role of this variant in disease. Therefore, it has been classified as a Variant of Uncertain Significance. An algorithm developed to predict the effect of missense changes on protein structure and function (PolyPhen-2) suggests that this variant is likely to be tolerated. This variant has not been reported in the literature in individuals affected with LTBP3-related conditions. This variant is not present in population databases (gnomAD no frequency). This sequence change replaces proline, which is neutral and non-polar, with leucine, which is neutral and non-polar, at codon 1293 of the LTBP3 protein (p.Pro1293Leu).